The following is an entry in ClinVar:

NM_000545.8(HNF1A):c.290C>T (p.Ala97Val)

Gene: HNF1A (HNF1 homeobox A; plus strand). Cytogenetic location: 12q24.31.
Variant type: single nucleotide variant.
Coding change: c.290C>T on transcript NM_000545.8 (MANE Select); coding-DNA position 290, C replaced by T.
Protein change: p.Ala97Val; replaces alanine 97 with valine.
Molecular consequence: missense variant.
Genome position (GRCh38, 1-based): chr12:120,979,058, C>T. VCF-style: chr12-120979058-C-T. GRCh37 (hg19) VCF-style: chr12-121416861-C-T.
Other names: c.290C>T, p.Ala97Val (NM_001306179.2, NM_001406915.1); short protein forms A97V.
Identifiers: ClinVar variation 2712666 (VCV002712666.6), dbSNP rs374794304, ClinGen allele CA6831706.

ClinVar aggregate classification (germline): Uncertain significance. Review status: criteria provided, multiple submitters, no conflicts (2 of 4 stars). 4 submissions from 4 submitters: Uncertain significance (4). Last evaluated 2026-01-24.

Allele frequency attached by ClinVar (database versions not stated): gnomAD exomes 0.00002; TOPMed 0.00004; gnomAD 0.00005; ExAC 0.00007; ESP Exome Variant Server 0.00008.
gnomAD v4.1: 29 of 1,611,826 alleles (0.0018%); highest among the groups gnomAD compares: African/African-American, 0.0093%; no homozygotes.

Submissions (4):

GeneDx
Classification: Uncertain significance. Last evaluated: 2026-01-24. Review status: criteria provided, single submitter. Criteria: GeneDx Variant Classification Process June 2021. Collection method: clinical testing. Allele origin: germline.
Comment: Identified in a patient with type 2 diabetes mellitus in published literature (PMID: 27899486); In silico analysis suggests that this missense variant does not alter protein structure/function; This variant is associated with the following publications: (PMID: 32910913, 27899486)

Women's Health and Genetics/Laboratory Corporation of America, LabCorp
Classification: Uncertain significance. Last evaluated: 2024-12-17. Review status: criteria provided, single submitter. Criteria: LabCorp Variant Classification Summary - May 2015. Collection method: clinical testing. Allele origin: germline.
Comment: Variant summary: HNF1A c.290C>T (p.Ala97Val) results in a non-conservative amino acid change in the encoded protein sequence. Five of five in-silico tools predict a damaging effect of the variant on protein function. The variant allele was found at a frequency of 2.9e-05 in 241220 control chromosomes. The available data on variant occurrences in the general population are insufficient to allow any conclusion about variant significance. c.290C>T has been reported in the literature in at-least one individual affected with type 2 diabetes (example: Althari_2020). These report(s) do not provide unequivocal conclusions about association of the variant with Maturity Onset Diabetes Of The Young 3. At least one publication reported the variant results in normal nuclear localization and approximately 20% reduction in transcriptional activity (example: Althari_2020). The following publication has been ascertained in the context of this evaluation (PMID: 32910913). ClinVar contains an entry for this variant (Variation ID: 2712666). Based on the evidence outlined above, the variant was classified as uncertain significance.

Labcorp Genetics (formerly Invitae), Labcorp
Classification: Uncertain significance. Last evaluated: 2024-11-18. Review status: criteria provided, single submitter. Criteria: Invitae Variant Classification Sherloc (09022015). Collection method: clinical testing. Allele origin: germline.
Comment: This sequence change replaces alanine, which is neutral and non-polar, with valine, which is neutral and non-polar, at codon 97 of the HNF1A protein (p.Ala97Val). This variant is present in population databases (rs374794304, gnomAD 0.02%). This variant has not been reported in the literature in individuals affected with HNF1A-related conditions. ClinVar contains an entry for this variant (Variation ID: 2712666). Invitae Evidence Modeling of protein sequence and biophysical properties (such as structural, functional, and spatial information, amino acid conservation, physicochemical variation, residue mobility, and thermodynamic stability) indicates that this missense variant is not expected to disrupt HNF1A protein function with a negative predictive value of 80%. In summary, the available evidence is currently insufficient to determine the role of this variant in disease. Therefore, it has been classified as a Variant of Uncertain Significance.

Blueprint Genetics
Classification: Uncertain significance. Last evaluated: 2024-11-14. Review status: criteria provided, single submitter. Criteria: ACMG Guidelines, 2015. Collection method: clinical testing. Allele origin: germline.

Literature cited by the submitters: PubMed 32910913 (cited by Women's Health and Genetics/Laboratory Corporation of America, LabCorp).